The following is an entry in ClinVar:

ClinVar aggregate classification (germline): Uncertain significance (1 of 4 stars; one submission).

Conditions:
Mucopolysaccharidosis, MPS-III-D (MPS3D). Also called: N-ACETYLGLUCOSAMINE-6-SULFATASE DEFICIENCY; SANFILIPPO SYNDROME D; MPS IIID (Sanfilippo Syndrome Type D); MPS III D; Mucopoly-saccharidosis type 3D; N-acetylglucosamine-6-sulfate sulfatase deficiency. Identifiers: Orphanet 581, Orphanet 79272, MedGen C0086650, MONDO:0009658, OMIM 252940.

Submission:

Labcorp Genetics (formerly Invitae), Labcorp
Classification: Uncertain significance for Mucopolysaccharidosis, MPS-III-D. Last evaluated: 2022-10-13. Review status: criteria provided, single submitter. Criteria: Invitae Variant Classification Sherloc (09022015). Collection method: clinical testing. Allele origin: germline.
Comment: A copy number gain of the genomic region encompassing the full coding sequence of the GNS gene has been identified. The boundaries of this event are unknown as they extend beyond the assayed region for this gene and therefore may encompass additional genes. As the precise location of this event is unknown, it may be in tandem or it may be located elsewhere in the genome. This variant has not been reported in the literature in individuals affected with GNS-related conditions. In summary, the available evidence is currently insufficient to determine the role of this variant in disease. Therefore, it has been classified as a Variant of Uncertain Significance.

NC_000012.11:g.(?_65110521)_(65153056_?)dup

Gene: GNS (glucosamine (N-acetyl)-6-sulfatase; minus strand). Cytogenetic location: 12q14.3.
Variant type: Duplication.
Identifiers: ClinVar variation 2424353 (VCV002424353.3).